The following is an entry in ClinVar:

ClinVar aggregate classification (germline): Pathogenic. Review status: criteria provided, multiple submitters, no conflicts (2 of 4 stars). 3 submissions from 3 submitters: Pathogenic (3). Last evaluated 2025-03-06.

Conditions:
F8-related disorders.

Allele frequency attached by ClinVar (database versions not stated): gnomAD exomes below 0.00001.
gnomAD v4.1: 2 of 1,211,051 alleles (0.00017%); highest among the groups gnomAD compares: Non-Finnish European, 0.00022%; no homozygotes.

Submissions (3):

Mayo Clinic Laboratories, Mayo Clinic
Classification: Pathogenic. Last evaluated: 2025-03-06. Review status: criteria provided, single submitter. Criteria: ACMG Guidelines, 2015. Collection method: clinical testing. Allele origin: germline. Observed: 2 variant alleles.
Comment: PP3_moderate, PM2_supporting, PM6_strong, PS4_very_strong

ARUP Laboratories, Molecular Genetics and Genomics, ARUP Laboratories
Classification: Pathogenic. Last evaluated: 2023-06-19. Review status: criteria provided, single submitter. Criteria: ARUP Molecular Germline Variant Investigation Process 2024. Collection method: clinical testing. Allele origin: germline.
Comment: The F8 c.871G>A, p.Glu291Lys variant (rs868988809), also known as Glu272Lys, is reported in the literature in numerous individuals affected with mild to moderate hemophilia A (See F8 database and references therein, Feng 2021, Kang 2021, Yamanouchi 2014). This variant is absent from the Genome Aggregation Database, indicating it is not a common polymorphism. The glutamic acid at codon 291 is highly conserved, and computational analyses predict that this variant is deleterious (REVEL: 0.828). Based on available information, this variant is considered to be pathogenic. References: Link to F8 database: Feng Y et al. Mutation analysis in the F8 gene in 485 families with haemophilia A and prenatal diagnosis in China. Haemophilia. 2021 Jan;27(1):e88-e92. PMID: 33245802. Kang H et al. FVIII inhibitor risk correlated with F8 gene variants in 296 unrelated male Chinese patients with haemophilia A. Haemophilia. 2021 Mar;27(2):e274-e277. PMID: 32897612. Yamanouchi J et al. Development of exogenous FVIII-specific inhibitor in a mild haemophilia patient with Glu272Lys mutation. Haemophilia. 2014 Mar;20(2):e179-82. PMID: 24533958.

Blueprint Genetics
Classification: Pathogenic for F8-related disorders. Last evaluated: 2023-05-30. Review status: criteria provided, single submitter. Criteria: ACMG Guidelines, 2015. Collection method: clinical testing. Allele origin: germline. Affected: yes. Observed: 1 variant allele.

Literature cited by the submitters: PubMed 1356412 (cited by Mayo Clinic Laboratories, Mayo Clinic); PubMed 20331753 (cited by Mayo Clinic Laboratories, Mayo Clinic); PubMed 24533958 (cited by Mayo Clinic Laboratories, Mayo Clinic); PubMed 25955082 (cited by Mayo Clinic Laboratories, Mayo Clinic); PubMed 32166871 (cited by Mayo Clinic Laboratories, Mayo Clinic); PubMed 32897612 (cited by Mayo Clinic Laboratories, Mayo Clinic); PubMed 33245802 (cited by Mayo Clinic Laboratories, Mayo Clinic); PubMed 34751920 (cited by Mayo Clinic Laboratories, Mayo Clinic); PubMed 36213555 (cited by Mayo Clinic Laboratories, Mayo Clinic); PubMed 36833187 (cited by Mayo Clinic Laboratories, Mayo Clinic); PubMed 38196513 (cited by Mayo Clinic Laboratories, Mayo Clinic); PubMed 39125936 (cited by Mayo Clinic Laboratories, Mayo Clinic); PubMed 9886318 (cited by Mayo Clinic Laboratories, Mayo Clinic).

NM_000132.4(F8):c.871G>A (p.Glu291Lys)

Gene: F8 (coagulation factor VIII; minus strand). Cytogenetic location: Xq28.
Variant type: single nucleotide variant.
Coding change: c.871G>A on transcript NM_000132.4 (MANE Select); coding-DNA position 871, G replaced by A.
Protein change: p.Glu291Lys; replaces glutamic acid 291 with lysine.
Molecular consequence: missense variant.
Genome position (GRCh38, 1-based): chrX:154,969,469, C>T on the plus strand (G>A on the coding strand, the complement: F8 is on the minus strand). VCF-style: chrX-154969469-C-T. GRCh37 (hg19) VCF-style: chrX-154197744-C-T.
Other names: p.Glu291Lys; c.871G>A (NM_000132.3); short protein forms E291K.
Identifiers: ClinVar variation 2428502 (VCV002428502.7), dbSNP rs868988809, ClinGen allele CA414918134.